The following is an entry in ClinVar:

NM_032273.4(TMEM126A):c.385C>G (p.Leu129Val)

Gene: TMEM126A (transmembrane protein 126A; plus strand). Cytogenetic location: 11q14.1.
Variant type: single nucleotide variant.
Coding change: c.385C>G on transcript NM_032273.4 (MANE Select); coding-DNA position 385, C replaced by G.
Protein change: p.Leu129Val; replaces leucine 129 with valine.
Molecular consequence: missense variant.
Genome position (GRCh38, 1-based): chr11:85,655,698, C>G. VCF-style: chr11-85655698-C-G. GRCh37 (hg19) VCF-style: chr11-85366742-C-G.
Other names: c.175C>G, p.Leu59Val (NM_001244735.2); short protein forms L129V, L59V.
Identifiers: ClinVar variation 167733 (VCV000167733.19), dbSNP rs546358774, ClinGen allele CA234995.

ClinVar aggregate classification (germline): Conflicting classifications of pathogenicity. Review status: criteria provided, conflicting classifications (1 of 4 stars). 4 submissions from 4 submitters: Uncertain significance (2); Likely benign (2). Last evaluated 2026-03-05.

Conditions:
TMEM126A-related disorder. Also called: TMEM126A-related condition.
Autosomal recessive optic atrophy, OPA7 type. Also called: OPTIC ATROPHY 7 WITH OR WITHOUT AUDITORY NEUROPATHY. Identifiers: Orphanet 227976, Orphanet 98676, MedGen C2751812, MONDO:0013069, OMIM 612989.

Allele frequency attached by ClinVar (database versions not stated): TOPMed 0.00004; gnomAD 0.00010 and 0.00001; 1000 Genomes Project 30x 0.00078; gnomAD exomes 0.00034; 1000 Genomes Project 0.00020; ExAC 0.00041.
gnomAD v4.1: 260 of 1,611,586 alleles (0.016%); highest among the groups gnomAD compares: South Asian, 0.26%; 1 homozygote.

Submissions (4):

PreventionGenetics, part of Exact Sciences
Classification: Likely benign for TMEM126A-related condition. Last evaluated: 2026-03-05. Review status: criteria provided, single submitter. Criteria: ACMG Guidelines, 2015. Collection method: clinical testing. Allele origin: germline.
Comment: This variant is classified as likely benign based on ACMG/AMP sequence variant interpretation guidelines (Richards et al. 2015 PMID: 25741868, with internal and published modifications).

Labcorp Genetics (formerly Invitae), Labcorp
Classification: Likely benign. Last evaluated: 2025-12-20. Review status: criteria provided, single submitter. Criteria: Invitae Variant Classification Sherloc (09022015). Collection method: clinical testing. Allele origin: germline.

Illumina Laboratory Services, Illumina
Classification: Uncertain significance for Autosomal recessive optic atrophy, OPA7 type. Last evaluated: 2018-01-12. Review status: criteria provided, single submitter. Criteria: ICSL Variant Classification Criteria 13 December 2019. Collection method: clinical testing. Allele origin: germline.

Eurofins Ntd Llc (ga)
Classification: Uncertain significance. Last evaluated: 2014-04-27. Review status: criteria provided, single submitter. Criteria: EGL Classification Definitions 2015. Collection method: clinical testing. Allele origin: germline. Observed: 1 variant allele, 1 heterozygote.